The following is an entry in ClinVar:

NM_001369268.1(ACAN):c.1346G>T (p.Gly449Val)

Gene: ACAN (aggrecan; plus strand). Cytogenetic location: 15q26.1.
Variant type: single nucleotide variant.
Coding change: c.1346G>T on transcript NM_001369268.1 (MANE Select); coding-DNA position 1346, G replaced by T.
Protein change: p.Gly449Val; replaces glycine 449 with valine.
Molecular consequence: missense variant.
Genome position (GRCh38, 1-based): chr15:88,845,799, G>T. VCF-style: chr15-88845799-G-T. GRCh37 (hg19) VCF-style: chr15-89389030-G-T.
Other names: c.1346G>T, p.Gly449Val (NM_001135.4, NM_013227.4); short protein forms G449V.
Identifiers: ClinVar variation 1523660 (VCV001523660.8), dbSNP rs2141582492, ClinGen allele CA393710052.

ClinVar aggregate classification (germline): Uncertain significance (1 of 4 stars; one submission).

Submission:

Labcorp Genetics (formerly Invitae), Labcorp
Classification: Uncertain significance. Last evaluated: 2022-08-09. Review status: criteria provided, single submitter. Criteria: Invitae Variant Classification Sherloc (09022015). Collection method: clinical testing. Allele origin: germline.
Comment: ClinVar contains an entry for this variant (Variation ID: 1523660). This variant has not been reported in the literature in individuals affected with ACAN-related conditions. This variant is not present in population databases (gnomAD no frequency). This sequence change replaces glycine, which is neutral and non-polar, with valine, which is neutral and non-polar, at codon 449 of the ACAN protein (p.Gly449Val). Algorithms developed to predict the effect of missense changes on protein structure and function output the following: SIFT: "Deleterious"; PolyPhen-2: "Not Available"; Align-GVGD: "Class C65". The valine amino acid residue is found in multiple mammalian species, which suggests that this missense change does not adversely affect protein function. In summary, the available evidence is currently insufficient to determine the role of this variant in disease. Therefore, it has been classified as a Variant of Uncertain Significance.